The following is an entry in ClinVar:

ClinVar aggregate classification (germline): Uncertain significance (1 of 4 stars; one submission).

Conditions:
Hereditary cancer-predisposing syndrome. Also called: Neoplastic Syndromes, Hereditary; Tumor predisposition; Hereditary neoplastic syndrome; Hereditary Cancer Syndrome. Identifiers: Orphanet 140162, MedGen C0027672, MeSH D009386, MONDO:0015356.

Allele frequency attached by ClinVar (database versions not stated): ExAC 0.00001.

Submission:

Ambry Genetics
Classification: Uncertain significance for Hereditary cancer-predisposing syndrome. Last evaluated: 2024-02-06. Review status: criteria provided, single submitter. Criteria: Ambry Variant Classification Scheme 2023. Collection method: clinical testing. Allele origin: germline.
Comment: The p.N672K variant (also known as c.2016C>G), located in coding exon 11 of the DICER1 gene, results from a C to G substitution at nucleotide position 2016. The asparagine at codon 672 is replaced by lysine, an amino acid with similar properties. This amino acid position is conserved. In addition, this alteration is predicted to be tolerated by in silico analysis. Based on the available evidence, the clinical significance of this alteration remains unclear.

NM_177438.3(DICER1):c.2016C>G (p.Asn672Lys)

Gene: DICER1 (dicer 1, ribonuclease III; minus strand). Cytogenetic location: 14q32.13.
Variant type: single nucleotide variant.
Coding change: c.2016C>G on transcript NM_177438.3 (MANE Select); coding-DNA position 2016, C replaced by G.
Protein change: p.Asn672Lys; replaces asparagine 672 with lysine.
Molecular consequence: missense variant. On other transcripts: non-coding transcript variant (6).
Genome position (GRCh38, 1-based): chr14:95,113,116, G>C on the plus strand (C>G on the coding strand, the complement: DICER1 is on the minus strand). VCF-style: chr14-95113116-G-C. GRCh37 (hg19) VCF-style: chr14-95579453-G-C.
Other names: c.2016C>G, p.Asn672Lys (NM_001195573.1, NM_001271282.3, NM_001291628.2 and 13 more transcripts); c.1734C>G, p.Asn578Lys (NM_001395686.1); c.1611C>G, p.Asn537Lys (NM_001395687.1, NM_001395688.1, NM_001395689.1 and 3 more transcripts); c.1449C>G, p.Asn483Lys (NM_001395691.1); c.333C>G, p.Asn111Lys (NM_001395697.1); short protein forms N111K, N483K, N537K, N578K, N672K.
Identifiers: ClinVar variation 3229324 (VCV003229324.1), dbSNP rs748905178, ClinGen allele CA7331345.